The following is an entry in ClinVar:

ClinVar aggregate classification (germline): Uncertain significance. Review status: criteria provided, multiple submitters, no conflicts (2 of 4 stars). 3 submissions from 3 submitters: Uncertain significance (3). Last evaluated 2025-08-23.

Conditions:
Inborn genetic diseases. Identifiers: MedGen C0950123, MeSH D030342.
Developmental delay with autism spectrum disorder and gait instability (MRT38). Also called: Intellectual developmental disorder, autosomal recessive 38. Identifiers: Orphanet 329195, MedGen C3809753, MONDO:0014224, OMIM 615516.

Allele frequency attached by ClinVar (database versions not stated): gnomAD exomes 0.00008 and 0.00009; gnomAD 0.00011; ExAC 0.00027; TOPMed 0.00028.
gnomAD v4.1: 144 of 1,613,780 alleles (0.0089%); highest among the groups gnomAD compares: Middle Eastern, 0.049%; no homozygotes.

Submissions (3):

Ambry Genetics
Classification: Uncertain significance for Inborn genetic diseases. Last evaluated: 2025-08-23. Review status: criteria provided, single submitter. Criteria: Ambry Variant Classification Scheme 2023. Collection method: clinical testing. Allele origin: germline.

Dasa
Classification: Uncertain significance for Developmental delay with autism spectrum disorder and gait instability. Last evaluated: 2025-07-01. Review status: criteria provided, single submitter. Criteria: DASA Assertion Criteria. Collection method: clinical testing. Allele origin: germline.
Comment: NM_004667.6(HERC2):c.1150G>A (p.Glu384Lys) is a missense variant that results in the substitution of glutamic acid with lysine. This variant is rare in population databases. Computational prediction algorithms are consistent with a benign effect. The currently available literature and clinical evidence are not sufficient to establish a definitive association between this variant and the reported condition. Therefore, this variant is classified as a variant of uncertain significance.

CeGaT Center for Human Genetics Tuebingen
Classification: Uncertain significance. Last evaluated: 2019-10-01. Review status: criteria provided, single submitter. Criteria: CeGaT Center For Human Genetics Tuebingen Variant Classification Criteria Version 2. Collection method: clinical testing. Allele origin: germline. Affected: yes. Observed: 3 variant alleles.

NM_004667.6(HERC2):c.1150G>A (p.Glu384Lys)

Gene: HERC2 (HECT and RLD domain containing E3 ubiquitin protein ligase 2; minus strand). Cytogenetic location: 15q13.1.
Variant type: single nucleotide variant.
Coding change: c.1150G>A on transcript NM_004667.6 (MANE Select); coding-DNA position 1150, G replaced by A.
Protein change: p.Glu384Lys; replaces glutamic acid 384 with lysine.
Molecular consequence: missense variant.
Genome position (GRCh38, 1-based): chr15:28,270,802, C>T on the plus strand (G>A on the coding strand, the complement: HERC2 is on the minus strand). VCF-style: chr15-28270802-C-T. GRCh37 (hg19) VCF-style: chr15-28515948-C-T.
Other names: c.1150G>A (NM_004667.4); short protein forms E384K.
Identifiers: ClinVar variation 872641 (VCV000872641.44), dbSNP rs772532798, ClinGen allele CA7443550.